The following is an entry in ClinVar:

NM_006790.3(MYOT):c.145G>C (p.Glu49Gln)

Genes: MYOT (myotilin; plus strand), PKD2L2-DT (PKD2L2 divergent transcript; minus strand). Cytogenetic location: 5q31.2.
Variant type: single nucleotide variant.
Coding change: c.145G>C on transcript NM_006790.3 (MANE Select); coding-DNA position 145, G replaced by C.
Protein change: p.Glu49Gln; replaces glutamic acid 49 with glutamine.
Molecular consequence: missense variant. On other transcripts: intron variant (2).
Genome position (GRCh38, 1-based): chr5:137,870,796, G>C. VCF-style: chr5-137870796-G-C. GRCh37 (hg19) VCF-style: chr5-137206485-G-C.
Other names: c.-120-81G>C (NM_001300911.2); c.-197+271G>C (NM_001135940.2); short protein forms E49Q.
Identifiers: ClinVar variation 571511 (VCV000571511.6), dbSNP rs199760778, ClinGen allele CA3422855.

ClinVar aggregate classification (germline): Uncertain significance (1 of 4 stars; one submission).

Conditions:
Myofibrillar myopathy 3 (MFM3). Also called: Autosomal dominant spheroid body myopathy; Muscular dystrophy, proximal, type 1A. Identifiers: Orphanet 266, Orphanet 268129, MedGen C3714934, MONDO:0012215, OMIM 609200.

Allele frequency attached by ClinVar (database versions not stated): TOPMed below 0.00001; gnomAD 0.00001; 1000 Genomes Project 30x 0.00016; 1000 Genomes Project 0.00020.
gnomAD v4.1: 4 of 1,614,134 alleles (0.00025%); highest among the groups gnomAD compares: Admixed American, 0.005%; no homozygotes.

Submission:

Labcorp Genetics (formerly Invitae), Labcorp
Classification: Uncertain significance for Myofibrillar myopathy 3. Last evaluated: 2021-08-27. Review status: criteria provided, single submitter. Criteria: Invitae Variant Classification Sherloc (09022015). Collection method: clinical testing. Allele origin: germline.
Comment: This sequence change replaces glutamic acid with glutamine at codon 49 of the MYOT protein (p.Glu49Gln). The glutamic acid residue is moderately conserved and there is a small physicochemical difference between glutamic acid and glutamine. This variant is present in population databases (rs199760778, ExAC 0.001%). This variant has not been reported in the literature in individuals affected with MYOT-related conditions. Algorithms developed to predict the effect of missense changes on protein structure and function are either unavailable or do not agree on the potential impact of this missense change (SIFT: "Tolerated"; PolyPhen-2: "Possibly Damaging"; Align-GVGD: "Class C0"). In summary, the available evidence is currently insufficient to determine the role of this variant in disease. Therefore, it has been classified as a Variant of Uncertain Significance.